The following is an entry in ClinVar:

NM_001082486.1(ACD):c.148C>T (p.Leu50Phe)

Genes: ACD (ACD shelterin complex subunit and telomerase recruitment factor; minus strand), LOC130059224 (ATAC-STARR-seq lymphoblastoid silent region 7617; plus strand). Cytogenetic location: 16q22.1.
Variant type: single nucleotide variant.
Coding change: c.148C>T on transcript NM_001082486.1; coding-DNA position 148, C replaced by T.
Protein change: p.Leu50Phe; replaces leucine 50 with phenylalanine.
Genome position (GRCh38, 1-based): chr16:67,660,331, G>A on the plus strand (C>T on the coding strand, the complement: ACD is on the minus strand). VCF-style: chr16-67660331-G-A. GRCh37 (hg19) VCF-style: chr16-67694234-G-A.
Other names: short protein forms L50F.
Identifiers: ClinVar variation 3480323 (VCV003480323.1).

ClinVar aggregate classification (germline): Uncertain significance (1 of 4 stars; one submission).

Conditions:
Inborn genetic diseases. Identifiers: MedGen C0950123, MeSH D030342.

Submission:

Ambry Genetics
Classification: Uncertain significance for Inborn genetic diseases. Last evaluated: 2024-09-27. Review status: criteria provided, single submitter. Criteria: Ambry Variant Classification Scheme 2023. Collection method: clinical testing. Allele origin: germline.
Comment: The p.L50F variant (also known as c.148C>T), located in coding exon 1 of the ACD gene, results from a C to T substitution at nucleotide position 148. The leucine at codon 50 is replaced by phenylalanine, an amino acid with highly similar properties. This amino acid position is conserved. In addition, this alteration is predicted to be tolerated by in silico analysis. Based on the available evidence, the clinical significance of this variant remains unclear.